The following is an entry in ClinVar:

ClinVar aggregate classification (germline): Conflicting classifications of pathogenicity. Review status: criteria provided, conflicting classifications (1 of 4 stars). 2 submissions from 2 submitters: Uncertain significance (1); Likely benign (1). Last evaluated 2022-03-16.

Conditions:
Schimke immuno-osseous dysplasia (SIOD). Also called: Schimke Immunoosseous Dysplasia. Identifiers: Orphanet 1830, MedGen C0877024, MONDO:0009458, OMIM 242900.
Inborn genetic diseases. Identifiers: MedGen C0950123, MeSH D030342.

Allele frequency attached by ClinVar (database versions not stated): gnomAD 0.00001; gnomAD exomes 0.00001; ExAC 0.00006.

Submissions (2):

Ambry Genetics
Classification: Likely benign for Inborn genetic diseases. Last evaluated: 2022-03-16. Review status: criteria provided, single submitter. Criteria: Ambry Variant Classification Scheme 2023. Collection method: clinical testing. Allele origin: germline.

Labcorp Genetics (formerly Invitae), Labcorp
Classification: Uncertain significance for Schimke immuno-osseous dysplasia. Last evaluated: 2022-02-10. Review status: criteria provided, single submitter. Criteria: Invitae Variant Classification Sherloc (09022015). Collection method: clinical testing. Allele origin: germline.
Comment: This sequence change replaces isoleucine, which is neutral and non-polar, with valine, which is neutral and non-polar, at codon 741 of the SMARCAL1 protein (p.Ile741Val). This variant is present in population databases (rs748147271, gnomAD 0.03%). This variant has not been reported in the literature in individuals affected with SMARCAL1-related conditions. Algorithms developed to predict the effect of missense changes on protein structure and function output the following: SIFT: "Tolerated"; PolyPhen-2: "Benign"; Align-GVGD: "Class C0". The valine amino acid residue is found in multiple mammalian species, which suggests that this missense change does not adversely affect protein function. Algorithms developed to predict the effect of sequence changes on RNA splicing suggest that this variant may create or strengthen a splice site. In summary, the available evidence is currently insufficient to determine the role of this variant in disease. Therefore, it has been classified as a Variant of Uncertain Significance.

NM_014140.4(SMARCAL1):c.2221A>G (p.Ile741Val)

Gene: SMARCAL1 (SNF2 related chromatin remodeling annealing helicase 1; plus strand). Cytogenetic location: 2q35.
Variant type: single nucleotide variant.
Coding change: c.2221A>G on transcript NM_014140.4 (MANE Select); coding-DNA position 2221, A replaced by G.
Protein change: p.Ile741Val; replaces isoleucine 741 with valine.
Molecular consequence: missense variant.
Genome position (GRCh38, 1-based): chr2:216,468,023, A>G. VCF-style: chr2-216468023-A-G. GRCh37 (hg19) VCF-style: chr2-217332746-A-G.
Other names: c.2221A>G, p.Ile741Val (NM_001127207.2); short protein forms I741V.
Identifiers: ClinVar variation 2144412 (VCV002144412.2), dbSNP rs748147271, ClinGen allele CA2098141.